The following is an entry in ClinVar:

NM_201384.3(PLEC):c.268C>T (p.Arg90Trp)

Gene: PLEC (plectin; minus strand). Cytogenetic location: 8q24.3.
Variant type: single nucleotide variant.
Coding change: c.268C>T on transcript NM_201384.3 (MANE Select); coding-DNA position 268, C replaced by T.
Protein change: p.Arg90Trp; replaces arginine 90 with tryptophan.
Molecular consequence: missense variant.
Genome position (GRCh38, 1-based): chr8:143,937,239, G>A on the plus strand (C>T on the coding strand, the complement: PLEC is on the minus strand). VCF-style: chr8-143937239-G-A. GRCh37 (hg19) VCF-style: chr8-145011407-G-A.
Other names: c.349C>T (NM_000445.3); c.349C>T, p.Arg117Trp (NM_000445.5); c.226C>T, p.Arg76Trp (NM_201378.4); c.202C>T, p.Arg68Trp (NM_201379.3); c.679C>T, p.Arg227Trp (NM_201380.4); c.172C>T, p.Arg58Trp (NM_201381.3); c.268C>T, p.Arg90Trp (NM_201382.4); c.280C>T, p.Arg94Trp (NM_201383.3); short protein forms R117W, R58W, R68W, R227W, R90W, R76W, R94W.
Identifiers: ClinVar variation 1380027 (VCV001380027.6), dbSNP rs782648152, ClinGen allele CA4928506.

ClinVar aggregate classification (germline): Uncertain significance. Review status: criteria provided, multiple submitters, no conflicts (2 of 4 stars). 2 submissions from 2 submitters: Uncertain significance (2). Last evaluated 2024-12-14.

Conditions:
Epidermolysis bullosa simplex 5B, with muscular dystrophy (EBS5B). Also called: Epidermolysis bullosa simplex with muscular dystrophy; EPIDERMOLYSIS BULLOSA SIMPLEX AND LIMB-GIRDLE MUSCULAR DYSTROPHY. Identifiers: Orphanet 257, MedGen C2931072, MONDO:0009181, OMIM 226670.
Epidermolysis bullosa simplex, Ogna type (EBS5A). Also called: Pidermolysis bullosa simplex 5A, Ogna type; EPIDERMOLYSIS BULLOSA SIMPLEX 5A, OGNA TYPE. Identifiers: Orphanet 79401, MedGen C0432317, MONDO:0007555, OMIM 131950.
Autosomal recessive limb-girdle muscular dystrophy type 2Q (LGMDR17). Also called: MUSCULAR DYSTROPHY, LIMB-GIRDLE, AUTOSOMAL RECESSIVE 17. Identifiers: Orphanet 254361, MedGen C3150989, MONDO:0013390, OMIM 613723.
Epidermolysis bullosa simplex with nail dystrophy (EBS5D). Identifiers: MedGen C4225309, MONDO:0014661, OMIM 616487.
Epidermolysis bullosa simplex 5C, with pyloric atresia (EBS5C). Also called: Epidermolysis bullosa simplex with pyloric atresia; PLEC-Related Epidermolysis Bullosa with Pyloric Atresia; PLEC1-Related Epidermolysis Bullosa with Pyloric Atresia. Identifiers: Orphanet 158684, MedGen C2677349, MONDO:0012807, OMIM 612138.
Inborn genetic diseases. Identifiers: MedGen C0950123, MeSH D030342.

Allele frequency attached by ClinVar (database versions not stated): ExAC 0.00001.
gnomAD v4.1: 8 of 1,611,566 alleles (0.0005%); highest among the groups gnomAD compares: South Asian, 0.0033%; no homozygotes.

Submissions (2):

Ambry Genetics
Classification: Uncertain significance for Inborn genetic diseases. Last evaluated: 2024-12-14. Review status: criteria provided, single submitter. Criteria: Ambry Variant Classification Scheme 2023. Collection method: clinical testing. Allele origin: germline.

Labcorp Genetics (formerly Invitae), Labcorp
Classification: Uncertain significance for Autosomal recessive limb-girdle muscular dystrophy type 2Q; Epidermolysis bullosa simplex, Ogna type; Epidermolysis bullosa simplex with nail dystrophy; Epidermolysis bullosa simplex 5C, with pyloric atresia; Epidermolysis bullosa simplex 5B, with muscular dystrophy. Last evaluated: 2021-08-31. Review status: criteria provided, single submitter. Criteria: Invitae Variant Classification Sherloc (09022015). Collection method: clinical testing. Allele origin: germline.
Comment: This sequence change replaces arginine with tryptophan at codon 117 of the PLEC protein (p.Arg117Trp). The arginine residue is highly conserved and there is a moderate physicochemical difference between arginine and tryptophan. This variant is present in population databases (rs782648152, ExAC 0.006%). This variant has not been reported in the literature in individuals affected with PLEC-related conditions. Algorithms developed to predict the effect of missense changes on protein structure and function are either unavailable or do not agree on the potential impact of this missense change (SIFT: "Deleterious"; PolyPhen-2: "Not Available"; Align-GVGD: "Class C0"). In summary, the available evidence is currently insufficient to determine the role of this variant in disease. Therefore, it has been classified as a Variant of Uncertain Significance.